The following is an entry in ClinVar:

ClinVar aggregate classification (germline): Benign (1 of 4 stars; one submission).

Allele frequency attached by ClinVar (database versions not stated): 1000 Genomes Project 0.31270; 1000 Genomes Project 30x 0.31558; TOPMed 0.40983; gnomAD 0.42226; ExAC 0.43918; ESP Exome Variant Server 0.44275.
gnomAD v4.1: 790,645 of 1,610,858 alleles (49%); highest among the groups gnomAD compares: Middle Eastern, 63%; 202,715 homozygotes.

Submission:

Unidad de Genómica Garrahan, Hospital de Pediatría Garrahan
Classification: Benign. Last evaluated: 2024-01-24. Review status: criteria provided, single submitter. Criteria: ACMG Guidelines, 2015. Collection method: clinical testing. Allele origin: germline. Affected: no. Observed: 63 variant alleles.
Comment: This variant is classified as Benign based on local population frequency. This variant was detected in 66% of patients studied by a panel of primary immunodeficiencies. Number of patients: 63. Only high quality variants are reported.

NM_005565.5(LCP2):c.255-35G>T

Gene: LCP2 (lymphocyte cytosolic protein 2; minus strand). Cytogenetic location: 5q35.1.
Variant type: single nucleotide variant.
Coding change: c.255-35G>T on transcript NM_005565.5 (MANE Select); 35 bases into the intron before coding-DNA position 255, G replaced by T.
Molecular consequence: intron variant.
Genome position (GRCh38, 1-based): chr5:170,275,386, C>A on the plus strand (G>T on the coding strand, the complement: LCP2 is on the minus strand). VCF-style: chr5-170275386-C-A. GRCh37 (hg19) VCF-style: chr5-169702390-C-A.
Identifiers: ClinVar variation 2688035 (VCV002688035.2), dbSNP rs2271146, ClinGen allele CA3555797.